The following is an entry in ClinVar:

ClinVar aggregate classification (germline): Uncertain significance (1 of 4 stars; one submission).

Conditions:
Inborn genetic diseases. Identifiers: MedGen C0950123, MeSH D030342.

Submission:

Ambry Genetics
Classification: Uncertain significance for Inborn genetic diseases. Last evaluated: 2025-12-05. Review status: criteria provided, single submitter. Criteria: Ambry Variant Classification Scheme 2023. Collection method: clinical testing. Allele origin: germline.
Comment: The p.D176Y variant (also known as c.526G>T), located in coding exon 5 of the FANCG gene, results from a G to T substitution at nucleotide position 526. The aspartic acid at codon 176 is replaced by tyrosine, an amino acid with highly dissimilar properties. This amino acid position is conserved. In addition, the in silico prediction for this alteration is inconclusive. Based on the available evidence, the clinical significance of this variant remains unclear.

NM_004629.2(FANCG):c.526G>T (p.Asp176Tyr)

Gene: FANCG (FA complementation group G; minus strand). Cytogenetic location: 9p13.3.
Variant type: single nucleotide variant.
Coding change: c.526G>T on transcript NM_004629.2 (MANE Select); coding-DNA position 526, G replaced by T.
Protein change: p.Asp176Tyr; replaces aspartic acid 176 with tyrosine.
Molecular consequence: missense variant.
Genome position (GRCh38, 1-based): chr9:35,077,384, C>A on the plus strand (G>T on the coding strand, the complement: FANCG is on the minus strand). VCF-style: chr9-35077384-C-A. GRCh37 (hg19) VCF-style: chr9-35077381-C-A.
Other names: short protein forms D176Y.
Identifiers: ClinVar variation 4619399 (VCV004619399.1).